The following is an entry in ClinVar:

ClinVar aggregate classification (germline): Uncertain significance (1 of 4 stars; one submission).

Allele frequency attached by ClinVar (database versions not stated): gnomAD exomes below 0.00001; ExAC 0.00002.
gnomAD v4.1: 1 of 1,601,106 alleles (0.000062%); highest among the groups gnomAD compares: Non-Finnish European, 0.000085%; no homozygotes.

Submission:

Labcorp Genetics (formerly Invitae), Labcorp
Classification: Uncertain significance. Last evaluated: 2021-06-23. Review status: criteria provided, single submitter. Criteria: Invitae Variant Classification Sherloc (09022015). Collection method: clinical testing. Allele origin: germline.
Comment: This sequence change replaces lysine with arginine at codon 661 of the NEFH protein (p.Lys661Arg). The lysine residue is highly conserved and there is a small physicochemical difference between lysine and arginine. This variant is present in population databases (rs751905400, ExAC 0.003%). This variant has not been reported in the literature in individuals with NEFH-related conditions. Advanced modeling of protein sequence and biophysical properties (such as structural, functional, and spatial information, amino acid conservation, physicochemical variation, residue mobility, and thermodynamic stability) performed at Invitae indicates that this missense variant is not expected to disrupt NEFH protein function. In summary, the available evidence is currently insufficient to determine the role of this variant in disease. Therefore, it has been classified as a Variant of Uncertain Significance.

NM_021076.4(NEFH):c.1982A>G (p.Lys661Arg)

Gene: NEFH (neurofilament heavy chain; plus strand). Cytogenetic location: 22q12.2.
Variant type: single nucleotide variant.
Coding change: c.1982A>G on transcript NM_021076.4 (MANE Select); coding-DNA position 1982, A replaced by G.
Protein change: p.Lys661Arg; replaces lysine 661 with arginine.
Molecular consequence: missense variant.
Genome position (GRCh38, 1-based): chr22:29,489,622, A>G. VCF-style: chr22-29489622-A-G. GRCh37 (hg19) VCF-style: chr22-29885611-A-G.
Other names: short protein forms K661R.
Identifiers: ClinVar variation 1363447 (VCV001363447.8), dbSNP rs751905400, ClinGen allele CA10174316.